The following is an entry in ClinVar:

ClinVar aggregate classification (germline): Uncertain significance (1 of 4 stars; one submission).

Conditions:
Hereditary cancer-predisposing syndrome. Also called: Hereditary Cancer Syndrome; Hereditary neoplastic syndrome; Tumor predisposition; Neoplastic Syndromes, Hereditary. Identifiers: Orphanet 140162, MedGen C0027672, MeSH D009386, MONDO:0015356.

Submission:

Ambry Genetics
Classification: Uncertain significance for Hereditary cancer-predisposing syndrome. Last evaluated: 2024-12-08. Review status: criteria provided, single submitter. Criteria: Ambry Variant Classification Scheme 2023. Collection method: clinical testing. Allele origin: germline.
Comment: The p.K1003N variant (also known as c.3009G>C), located in coding exon 18 of the ALK gene, results from a G to C substitution at nucleotide position 3009. The lysine at codon 1003 is replaced by asparagine, an amino acid with similar properties. This amino acid position is conserved. In addition, this alteration is predicted to be tolerated by in silico analysis. Based on the available evidence, the clinical significance of this variant remains unclear.

NM_004304.5(ALK):c.3009G>C (p.Lys1003Asn)

Gene: ALK (ALK receptor tyrosine kinase; minus strand). Cytogenetic location: 2p23.2.
Variant type: single nucleotide variant.
Coding change: c.3009G>C on transcript NM_004304.5 (MANE Select); coding-DNA position 3009, G replaced by C.
Protein change: p.Lys1003Asn; replaces lysine 1003 with asparagine.
Molecular consequence: missense variant.
Genome position (GRCh38, 1-based): chr2:29,226,980, C>G on the plus strand (G>C on the coding strand, the complement: ALK is on the minus strand). VCF-style: chr2-29226980-C-G. GRCh37 (hg19) VCF-style: chr2-29449846-C-G.
Other names: short protein forms K1003N.
Identifiers: ClinVar variation 3525431 (VCV003525431.1).